The following is an entry in ClinVar:

NM_003647.3(DGKE):c.1517C>A (p.Thr506Lys)

Gene: DGKE (diacylglycerol kinase epsilon; plus strand). Cytogenetic location: 17q22.
Variant type: single nucleotide variant.
Coding change: c.1517C>A on transcript NM_003647.3 (MANE Select); coding-DNA position 1517, C replaced by A.
Protein change: p.Thr506Lys; replaces threonine 506 with lysine.
Molecular consequence: missense variant.
Genome position (GRCh38, 1-based): chr17:56,862,244, C>A. VCF-style: chr17-56862244-C-A. GRCh37 (hg19) VCF-style: chr17-54939605-C-A.
Other names: short protein forms T506K.
Identifiers: ClinVar variation 1918029 (VCV001918029.5), dbSNP rs899909594, ClinGen allele CA291879505.
Genomic context (GRCh38, chr17:56,862,244, plus strand): 5'-TCCACTGTGCTCAGATTCAAGTAAAACTGGCTAATCCTTTTCGAATAGGACAGGCACATA[C>A]AGTGAGGGTAGGTGAAATATAGCTGTAACAGGCTAATTTGTCCCAATCCAATTCTAAGCT-3'
Protein context (NP_003638.1, residues 496-516): ANPFRIGQAH[Thr506Lys]VRLILKCSMM

ClinVar aggregate classification (germline): Uncertain significance (1 of 4 stars; one submission).

Allele frequency attached by ClinVar (database versions not stated): gnomAD exomes below 0.00001; gnomAD 0.00003; TOPMed 0.00005.
gnomAD v4.1: 10 of 1,613,388 alleles (0.00062%); highest among the groups gnomAD compares: African/African-American, 0.011%; no homozygotes.

Submission:

Labcorp Genetics (formerly Invitae), Labcorp
Classification: Uncertain significance. Last evaluated: 2025-06-12. Review status: criteria provided, single submitter. Criteria: Invitae Variant Classification Sherloc (09022015). Collection method: clinical testing. Allele origin: germline.
Comment: This sequence change replaces threonine, which is neutral and polar, with lysine, which is basic and polar, at codon 506 of the DGKE protein (p.Thr506Lys). This variant is present in population databases (no rsID available, gnomAD 0.01%). This variant has not been reported in the literature in individuals affected with DGKE-related conditions. ClinVar contains an entry for this variant (Variation ID: 1918029). Invitae Evidence Modeling of protein sequence and biophysical properties (such as structural, functional, and spatial information, amino acid conservation, physicochemical variation, residue mobility, and thermodynamic stability) indicates that this missense variant is not expected to disrupt DGKE protein function with a negative predictive value of 80%. In summary, the available evidence is currently insufficient to determine the role of this variant in disease. Therefore, it has been classified as a Variant of Uncertain Significance.